The following is an entry in ClinVar:

ClinVar aggregate classification (germline): Conflicting classifications of pathogenicity. Review status: criteria provided, conflicting classifications (1 of 4 stars). 7 submissions from 7 submitters: Uncertain significance (4); Benign (1); Likely benign (2). Last evaluated 2026-09-01.

Conditions:
Periventricular heterotopia with microcephaly, autosomal recessive (ARPHM). Also called: PERIVENTRICULAR NODULAR HETEROTOPIA 2; Periventricular heterotopia with microcephaly. Identifiers: Orphanet 2149, MedGen C1842563, MONDO:0011966, OMIM 608097.

Allele frequency attached by ClinVar (database versions not stated): ExAC 0.00038; gnomAD exomes 0.00039 and 0.00070; gnomAD 0.00043 and 0.00046; TOPMed 0.00048; ESP Exome Variant Server 0.00085.
gnomAD v4.1: 1,097 of 1,613,660 alleles (0.068%); highest among the groups gnomAD compares: Non-Finnish European, 0.086%; 4 homozygotes.

Submissions (7):

CeGaT Center for Human Genetics Tuebingen
Classification: Likely benign. Last evaluated: 2026-09-01. Review status: criteria provided, single submitter. Criteria: CeGaT Center For Human Genetics Tuebingen Variant Classification Criteria Version 2. Collection method: clinical testing. Allele origin: germline. Affected: yes. Observed: 2 variant alleles.
Comment: ARFGEF2: BS2

Labcorp Genetics (formerly Invitae), Labcorp
Classification: Benign. Last evaluated: 2025-10-21. Review status: criteria provided, single submitter. Criteria: Invitae Variant Classification Sherloc (09022015). Collection method: clinical testing. Allele origin: germline.

GeneDx
Classification: Likely benign. Last evaluated: 2020-02-26. Review status: criteria provided, single submitter. Criteria: GeneDx Variant Classification Process June 2021. Collection method: clinical testing. Allele origin: germline. Affected: yes.
Comment: This variant is associated with the following publications: (PMID: 28333917)

Fulgent Genetics
Classification: Uncertain significance for Periventricular heterotopia with microcephaly, autosomal recessive. Last evaluated: 2018-10-31. Review status: criteria provided, single submitter. Criteria: ACMG Guidelines, 2015. Collection method: clinical testing. Allele origin: unknown.

Illumina Laboratory Services, Illumina
Classification: Uncertain significance for Periventricular heterotopia with microcephaly, autosomal recessive. Last evaluated: 2018-01-12. Review status: criteria provided, single submitter. Criteria: ICSL Variant Classification Criteria 13 December 2019. Collection method: clinical testing. Allele origin: germline.

Eurofins Ntd Llc (ga)
Classification: Uncertain significance. Last evaluated: 2016-04-05. Review status: criteria provided, single submitter. Criteria: EGL Classification Definitions 2015. Collection method: clinical testing. Allele origin: germline. Observed: 1 variant allele, 1 heterozygote.

Genetic Services Laboratory, University of Chicago
Classification: Uncertain significance. Last evaluated: 2014-03-24. Review status: criteria provided, single submitter. Criteria: ACMG Guidelines, 2007. Collection method: clinical testing. Allele origin: germline. Inheritance: Autosomal recessive inheritance.

NM_006420.3(ARFGEF2):c.4462A>T (p.Thr1488Ser)

Gene: ARFGEF2 (ARF guanine nucleotide exchange factor 2; plus strand). Cytogenetic location: 20q13.13.
Variant type: single nucleotide variant.
Coding change: c.4462A>T on transcript NM_006420.3 (MANE Select); coding-DNA position 4462, A replaced by T.
Protein change: p.Thr1488Ser; replaces threonine 1488 with serine.
Molecular consequence: missense variant.
Genome position (GRCh38, 1-based): chr20:49,017,503, A>T. VCF-style: chr20-49017503-A-T. GRCh37 (hg19) VCF-style: chr20-47634040-A-T.
Other names: short protein forms T1488S.
Identifiers: ClinVar variation 128441 (VCV000128441.33), dbSNP rs151221957, ClinGen allele CA230900.